The following is an entry in ClinVar:

ClinVar aggregate classification (germline): Uncertain significance. Review status: criteria provided, multiple submitters, no conflicts (2 of 4 stars). 3 submissions from 3 submitters: Uncertain significance (3). Last evaluated 2024-10-28.

Conditions:
IFT140-related disorder. Also called: IFT140-related condition.
Saldino-Mainzer syndrome (SRTD9). Also called: Renal dysplasia, retinal pigmentary dystrophy, cerebellar ataxia and skeletal dysplasia; short-rib thoracic dysplasia 9 with or without polydactyly; SHORT-RIB THORACIC DYSPLASIA 9 WITHOUT POLYDACTYLY; CONORENAL SYNDROME. Identifiers: Orphanet 140969, MedGen C1849437, MONDO:0009964, OMIM 266920.

Allele frequency attached by ClinVar (database versions not stated): gnomAD exomes 0.00001.

Submissions (3):

PreventionGenetics, part of Exact Sciences
Classification: Uncertain significance for IFT140-related condition. Last evaluated: 2024-10-28. Review status: criteria provided, single submitter. Criteria: ACMG Guidelines, 2015. Collection method: clinical testing. Allele origin: germline.
Comment: The IFT140 c.2438A>C variant is predicted to result in the amino acid substitution p.Lys813Thr. To our knowledge, this variant has not been reported in the literature. This variant is reported in 0.017% of alleles in individuals of East Asian descent in gnomAD. At this time, the clinical significance of this variant is uncertain due to the absence of conclusive functional and genetic evidence.

Blueprint Genetics
Classification: Uncertain significance. Last evaluated: 2022-08-25. Review status: criteria provided, single submitter. Criteria: ACMG Guidelines, 2015. Collection method: clinical testing. Allele origin: germline.

Labcorp Genetics (formerly Invitae), Labcorp
Classification: Uncertain significance for Saldino-Mainzer syndrome. Last evaluated: 2022-07-25. Review status: criteria provided, single submitter. Criteria: Invitae Variant Classification Sherloc (09022015). Collection method: clinical testing. Allele origin: germline.
Comment: This sequence change replaces lysine, which is basic and polar, with threonine, which is neutral and polar, at codon 813 of the IFT140 protein (p.Lys813Thr). This variant is present in population databases (no rsID available, gnomAD 0.02%). This variant has not been reported in the literature in individuals affected with IFT140-related conditions. ClinVar contains an entry for this variant (Variation ID: 1386908). Algorithms developed to predict the effect of missense changes on protein structure and function are either unavailable or do not agree on the potential impact of this missense change (SIFT: "Deleterious"; PolyPhen-2: "Possibly Damaging"; Align-GVGD: "Class C0"). In summary, the available evidence is currently insufficient to determine the role of this variant in disease. Therefore, it has been classified as a Variant of Uncertain Significance.

NM_014714.4(IFT140):c.2438A>C (p.Lys813Thr)

Gene: IFT140 (intraflagellar transport 140; minus strand). Cytogenetic location: 16p13.3.
Variant type: single nucleotide variant.
Coding change: c.2438A>C on transcript NM_014714.4 (MANE Select); coding-DNA position 2438, A replaced by C.
Protein change: p.Lys813Thr; replaces lysine 813 with threonine.
Molecular consequence: missense variant.
Genome position (GRCh38, 1-based): chr16:1,526,758, T>G on the plus strand (A>C on the coding strand, the complement: IFT140 is on the minus strand). VCF-style: chr16-1526758-T-G. GRCh37 (hg19) VCF-style: chr16-1576759-T-G.
Other names: c.2438A>C (NM_014714.3); short protein forms K813T.
Identifiers: ClinVar variation 1386908 (VCV001386908.7), dbSNP rs1350594828, ClinGen allele CA394228444.